The following is an entry in ClinVar:

NM_017514.5(PLXNA3):c.763G>A (p.Glu255Lys)

Gene: PLXNA3 (plexin A3; plus strand). Cytogenetic location: Xq28.
Variant type: single nucleotide variant.
Coding change: c.763G>A on transcript NM_017514.5 (MANE Select); coding-DNA position 763, G replaced by A.
Protein change: p.Glu255Lys; replaces glutamic acid 255 with lysine.
Molecular consequence: missense variant.
Genome position (GRCh38, 1-based): chrX:154,461,267, G>A. VCF-style: chrX-154461267-G-A. GRCh37 (hg19) VCF-style: chrX-153689607-G-A.
Other names: short protein forms E255K.
Identifiers: ClinVar variation 4980083 (VCV004980083.1).
Genomic context (GRCh38, chrX:154,461,267, plus strand): 5'-TTCGTGTACTTCCTGACGCTGCAGCTGGACACCCAGCAGACGCTGTTGGACACAGCGGGC[G>A]AGAAATTTTTCACGTCCAAGATCGTGCGCATGTGCGCGGGAGACTCAGAGTTCTACTCAT-3'
Protein context (NP_059984.3, residues 245-265): TQQTLLDTAG[Glu255Lys]KFFTSKIVRM

ClinVar aggregate classification (germline): Uncertain significance (1 of 4 stars; one submission).

Conditions:
PLXNA3-related disorder. Also called: PLXNA3-related condition.

gnomAD v4.1: 19 of 1,211,779 alleles (0.0016%); highest among the groups gnomAD compares: Admixed American, 0.024%; no homozygotes.

Submission:

PreventionGenetics, part of Exact Sciences
Classification: Uncertain significance for PLXNA3-related condition. Last evaluated: 2026-01-28. Review status: criteria provided, single submitter. Criteria: ACMG Guidelines, 2015. Collection method: clinical testing. Allele origin: germline.
Comment: The PLXNA3 c.763G>A variant is predicted to result in the amino acid substitution p.Glu255Lys. To our knowledge, this variant has not been reported in the literature. This variant is reported in 0.021% of alleles in individuals of Latino descent in gnomAD. At this time, the clinical significance of this variant is uncertain due to the absence of conclusive functional and genetic evidence.